The following is an entry in ClinVar:

ClinVar aggregate classification (germline): Conflicting classifications of pathogenicity. Review status: criteria provided, conflicting classifications (1 of 4 stars). 6 submissions from 6 submitters: Uncertain significance (2); Likely benign (4). Last evaluated 2025-08-13.

Conditions:
Purine-nucleoside phosphorylase deficiency. Also called: NUCLEOSIDE PHOSPHORYLASE DEFICIENCY; Immunodeficiency due to purine nucleoside phosphorylase deficiency. Identifiers: Orphanet 760, MedGen C0268125, MONDO:0013171, OMIM 613179.

Allele frequency attached by ClinVar (database versions not stated): ExAC 0.00002; gnomAD exomes 0.00002; gnomAD 0.00005 and 0.00006; TOPMed 0.00007; ESP Exome Variant Server 0.00008.
gnomAD v4.1: 60 of 1,611,576 alleles (0.0037%); highest among the groups gnomAD compares: African/African-American, 0.0067%; no homozygotes.

Submissions (6):

Labcorp Genetics (formerly Invitae), Labcorp
Classification: Likely benign for Purine-nucleoside phosphorylase deficiency. Last evaluated: 2025-08-13. Review status: criteria provided, single submitter. Criteria: Invitae Variant Classification Sherloc (09022015). Collection method: clinical testing. Allele origin: germline.

CeGaT Center for Human Genetics Tuebingen
Classification: Likely benign. Last evaluated: 2025-01-01. Review status: criteria provided, single submitter. Criteria: CeGaT Center For Human Genetics Tuebingen Variant Classification Criteria Version 2. Collection method: clinical testing. Allele origin: germline. Affected: yes. Observed: 1 variant allele.
Comment: PNP: BP4, BP7

Mayo Clinic Laboratories, Mayo Clinic
Classification: Likely benign. Last evaluated: 2024-10-24. Review status: criteria provided, single submitter. Criteria: ACMG Guidelines, 2015. Collection method: clinical testing. Allele origin: germline. Observed: 1 variant allele.
Comment: BP4, BP7

Blueprint Genetics
Classification: Likely benign. Last evaluated: 2023-06-26. Review status: criteria provided, single submitter. Criteria: ACMG Guidelines, 2015. Collection method: clinical testing. Allele origin: germline.

Center for Genomics, Ann and Robert H. Lurie Children's Hospital of Chicago
Classification: Uncertain significance for Purine-nucleoside phosphorylase deficiency. Last evaluated: 2021-03-30. Review status: criteria provided, single submitter. Criteria: ACMG Guidelines, 2015. Collection method: clinical testing. Allele origin: germline.
Comment: PNP NM_000270.3 exon 5 p.Asp215= (c.645C>T): This variant has not been reported in the literature but is present in 0.008% (2/24960) of African alleles in the Genome Aggregation Database. This variant is present in ClinVar (Variation ID:883573). Evolutionary conservation and computational predictive tools for this variant are limited or unavailable. Of note, this variant is a silent variant and does not change the amino acid, reducing the probability that this variant is disease causing. In summary, data on this variant is insufficient for disease classification. Therefore, the clinical significance of this variant is uncertain.

Illumina Laboratory Services, Illumina
Classification: Uncertain significance for Purine-nucleoside phosphorylase deficiency. Last evaluated: 2018-01-12. Review status: criteria provided, single submitter. Criteria: ICSL Variant Classification Criteria 13 December 2019. Collection method: clinical testing. Allele origin: germline.

NM_000270.4(PNP):c.645C>T (p.Asp215=)

Gene: PNP (purine nucleoside phosphorylase; plus strand). Cytogenetic location: 14q11.2.
Variant type: single nucleotide variant.
Coding change: c.645C>T on transcript NM_000270.4 (MANE Select); coding-DNA position 645, C replaced by T.
Protein change: p.Asp215=; no amino-acid change (aspartic acid 215 retained).
Molecular consequence: synonymous variant.
Genome position (GRCh38, 1-based): chr14:20,475,245, C>T. VCF-style: chr14-20475245-C-T. GRCh37 (hg19) VCF-style: chr14-20943404-C-T.
Other names: p.Asp215=.
Identifiers: ClinVar variation 883573 (VCV000883573.30), dbSNP rs369193020, ClinGen allele CA7082181.